The following is an entry in ClinVar:

ClinVar aggregate classification (germline): Uncertain significance (1 of 4 stars; one submission).

Submission:

Labcorp Genetics (formerly Invitae), Labcorp
Classification: Uncertain significance. Last evaluated: 2021-08-16. Review status: criteria provided, single submitter. Criteria: Invitae Variant Classification Sherloc (09022015). Collection method: clinical testing. Allele origin: germline.
Comment: This sequence change replaces threonine with isoleucine at codon 2119 of the ADGRV1 protein (p.Thr2119Ile). The threonine residue is moderately conserved and there is a moderate physicochemical difference between threonine and isoleucine. This variant is not present in population databases (ExAC no frequency). This variant has not been reported in the literature in individuals affected with ADGRV1-related conditions. Algorithms developed to predict the effect of missense changes on protein structure and function output the following: SIFT: "Tolerated"; PolyPhen-2: "Probably Damaging"; Align-GVGD: "Class C0". The isoleucine amino acid residue is found in multiple mammalian species, which suggests that this missense change does not adversely affect protein function. In summary, the available evidence is currently insufficient to determine the role of this variant in disease. Therefore, it has been classified as a Variant of Uncertain Significance.

NM_032119.4(ADGRV1):c.6356C>T (p.Thr2119Ile)

Gene: ADGRV1 (adhesion G protein-coupled receptor V1; plus strand). Cytogenetic location: 5q14.3.
Variant type: single nucleotide variant.
Coding change: c.6356C>T on transcript NM_032119.4 (MANE Select); coding-DNA position 6356, C replaced by T.
Protein change: p.Thr2119Ile; replaces threonine 2119 with isoleucine.
Molecular consequence: missense variant. On other transcripts: non-coding transcript variant (1).
Genome position (GRCh38, 1-based): chr5:90,685,861, C>T. VCF-style: chr5-90685861-C-T. GRCh37 (hg19) VCF-style: chr5-89981678-C-T.
Other names: short protein forms T2119I.
Identifiers: ClinVar variation 1362755 (VCV001362755.3), dbSNP rs2149594912, ClinGen allele CA360363372.
Genomic context (GRCh38, chr5:90,685,861, plus strand): 5'-GGCCTAAGGTAGAAACTATTGCGCAACTAATTATCATTGCCAATGATGATGCATTTGGAA[C>T]TCTTCAGCTCTCAGCACCAATTGTCCGAGTGGCAGAAAATCATGTTGGACCCATTATCAA-3'
Protein context (NP_115495.3, residues 2109-2129): IIIANDDAFG[Thr2119Ile]LQLSAPIVRV